The following is an entry in ClinVar:

NM_014159.7(SETD2):c.4972T>G (p.Ser1658Ala)

Gene: SETD2 (SET domain containing 2, histone lysine methyltransferase; minus strand). Cytogenetic location: 3p21.31.
Variant type: single nucleotide variant.
Coding change: c.4972T>G on transcript NM_014159.7 (MANE Select); coding-DNA position 4972, T replaced by G.
Protein change: p.Ser1658Ala; replaces serine 1658 with alanine.
Molecular consequence: missense variant. On other transcripts: non-coding transcript variant (1).
Genome position (GRCh38, 1-based): chr3:47,101,501, A>C on the plus strand (T>G on the coding strand, the complement: SETD2 is on the minus strand). VCF-style: chr3-47101501-A-C. GRCh37 (hg19) VCF-style: chr3-47142991-A-C.
Other names: c.4840T>G, p.Ser1614Ala (NM_001349370.3); short protein forms S1658A, S1614A.
Identifiers: ClinVar variation 135242 (VCV000135242.3), dbSNP rs587778678, ClinGen allele CA162119.

ClinVar aggregate classification (germline): Uncertain significance. Review status: criteria provided, single submitter (1 of 4 stars). 2 submissions from 2 submitters: Uncertain significance (1). 1 of the submissions does not count toward it. Last evaluated 2024-07-23.

Conditions:
Luscan-Lumish syndrome. Identifiers: Orphanet 597738, MedGen C4085873, MONDO:0014791, OMIM 616831.

Allele frequency attached by ClinVar (database versions not stated): gnomAD exomes below 0.00001; TOPMed 0.00001.
gnomAD v4.1: 2 of 1,613,826 alleles (0.00012%); highest among the groups gnomAD compares: Admixed American, 0.0033%; no homozygotes.

Submissions (2):

Labcorp Genetics (formerly Invitae), Labcorp
Classification: Uncertain significance for Luscan-Lumish syndrome. Last evaluated: 2024-07-23. Review status: criteria provided, single submitter. Criteria: Invitae Variant Classification Sherloc (09022015). Collection method: clinical testing. Allele origin: germline.
Comment: This sequence change replaces serine, which is neutral and polar, with alanine, which is neutral and non-polar, at codon 1658 of the SETD2 protein (p.Ser1658Ala). This variant is not present in population databases (gnomAD no frequency). This variant has not been reported in the literature in individuals affected with SETD2-related conditions. ClinVar contains an entry for this variant (Variation ID: 135242). Advanced modeling of protein sequence and biophysical properties (such as structural, functional, and spatial information, amino acid conservation, physicochemical variation, residue mobility, and thermodynamic stability) performed at Invitae indicates that this missense variant is not expected to disrupt SETD2 protein function with a negative predictive value of 80%. In summary, the available evidence is currently insufficient to determine the role of this variant in disease. Therefore, it has been classified as a Variant of Uncertain Significance.

ITMI
No classification provided. Condition: AllHighlyPenetrant. Last evaluated: 2013-09-19. Review status: no classification provided. Collection method: reference population. Allele origin: germline. Not counted in ClinVar's aggregate classification.
Comment: Please see associated publication for description of ethnicities

Literature cited by the submitters: PubMed 24728327 (cited by ITMI).